The following is an entry in ClinVar:

NM_000283.4(PDE6B):c.1471G>A (p.Glu491Lys)

Gene: PDE6B (phosphodiesterase 6B; plus strand). Cytogenetic location: 4p16.3.
Variant type: single nucleotide variant.
Coding change: c.1471G>A on transcript NM_000283.4 (MANE Select); coding-DNA position 1471, G replaced by A.
Protein change: p.Glu491Lys; replaces glutamic acid 491 with lysine.
Molecular consequence: missense variant.
Genome position (GRCh38, 1-based): chr4:660,470, G>A. VCF-style: chr4-660470-G-A. GRCh37 (hg19) VCF-style: chr4-654259-G-A.
Other names: c.1471G>A, p.Glu491Lys (NM_001145291.2); c.634G>A, p.Glu212Lys (NM_001145292.2, NM_001350154.3, NM_001379246.1 and 1 more transcripts); c.316G>A, p.Glu106Lys (NM_001350155.3); short protein forms E106K, E491K, E212K.
Identifiers: ClinVar variation 1523265 (VCV001523265.8), dbSNP rs2109242332, ClinGen allele CA355915716.

ClinVar aggregate classification (germline): Uncertain significance (1 of 4 stars; one submission).

Allele frequency attached by ClinVar (database versions not stated): gnomAD exomes below 0.00001.
gnomAD v4.1: 2 of 1,613,928 alleles (0.00012%); highest among the groups gnomAD compares: African/African-American, 0.0027%; no homozygotes.

Submission:

Labcorp Genetics (formerly Invitae), Labcorp
Classification: Uncertain significance. Last evaluated: 2022-02-24. Review status: criteria provided, single submitter. Criteria: Invitae Variant Classification Sherloc (09022015). Collection method: clinical testing. Allele origin: germline.
Comment: In summary, the available evidence is currently insufficient to determine the role of this variant in disease. Therefore, it has been classified as a Variant of Uncertain Significance. This variant has not been reported in the literature in individuals affected with PDE6B-related conditions. Algorithms developed to predict the effect of missense changes on protein structure and function (SIFT, PolyPhen-2, Align-GVGD) all suggest that this variant is likely to be tolerated. This sequence change replaces glutamic acid, which is acidic and polar, with lysine, which is basic and polar, at codon 491 of the PDE6B protein (p.Glu491Lys). This variant is not present in population databases (gnomAD no frequency).